The following is an entry in ClinVar:

NM_001458.5(FLNC):c.3740C>T (p.Ala1247Val)

Gene: FLNC (filamin C; plus strand). Cytogenetic location: 7q32.1.
Variant type: single nucleotide variant.
Coding change: c.3740C>T on transcript NM_001458.5 (MANE Select); coding-DNA position 3740, C replaced by T.
Protein change: p.Ala1247Val; replaces alanine 1247 with valine.
Molecular consequence: missense variant.
Genome position (GRCh38, 1-based): chr7:128,845,205, C>T. VCF-style: chr7-128845205-C-T. GRCh37 (hg19) VCF-style: chr7-128485259-C-T.
Other names: c.3740C>T, p.Ala1247Val (NM_001127487.2); short protein forms A1247V.
Identifiers: ClinVar variation 774759 (VCV000774759.18), dbSNP rs775496136, ClinGen allele CA4475111.

ClinVar aggregate classification (germline): Conflicting classifications of pathogenicity. Review status: criteria provided, conflicting classifications (1 of 4 stars). 4 submissions from 4 submitters: Uncertain significance (1); Likely benign (2). 1 of the submissions does not count toward it. Last evaluated 2025-11-26.

Conditions:
Cardiovascular phenotype. Identifiers: MedGen CN230736.
FLNC-related disorder. Also called: FLNC-related disorders; FLNC-related condition.
Hypertrophic cardiomyopathy 26. Also called: Cardiomyopathy, familial hypertrophic, 26. Identifiers: Orphanet 75249, MedGen C4310749, MONDO:0014883, OMIM 617047.
Distal myopathy with posterior leg and anterior hand involvement. Also called: WILLIAMS DISTAL MYOPATHY. Identifiers: Orphanet 63273, MedGen C3279722, MONDO:0013550, OMIM 614065.
Myofibrillar myopathy 5. Also called: Filaminopathy (type); FILAMINOPATHY, AUTOSOMAL DOMINANT. Identifiers: Orphanet 171445, MedGen C1836050, MONDO:0012289, OMIM 609524.

Allele frequency attached by ClinVar (database versions not stated): gnomAD exomes 0.00003 and 0.00007; ExAC 0.00006; gnomAD 0.00007 and 0.00008; TOPMed 0.00010.
gnomAD v4.1: 59 of 1,613,842 alleles (0.0037%); highest among the groups gnomAD compares: African/African-American, 0.016%; no homozygotes.

Submissions (4):

Labcorp Genetics (formerly Invitae), Labcorp
Classification: Likely benign for Distal myopathy with posterior leg and anterior hand involvement; Myofibrillar myopathy 5; Hypertrophic cardiomyopathy 26. Last evaluated: 2025-11-26. Review status: criteria provided, single submitter. Criteria: Invitae Variant Classification Sherloc (09022015). Collection method: clinical testing. Allele origin: germline.

Ambry Genetics
Classification: Likely benign for Cardiovascular phenotype. Last evaluated: 2023-07-07. Review status: criteria provided, single submitter. Criteria: Ambry Variant Classification Scheme 2023. Collection method: clinical testing. Allele origin: germline.

Revvity Omics, Revvity
Classification: Uncertain significance. Last evaluated: 2020-09-24. Review status: criteria provided, single submitter. Criteria: ACMG Guidelines, 2015. Collection method: clinical testing. Allele origin: germline.

PreventionGenetics, part of Exact Sciences
Classification: Likely benign for FLNC-related condition. Last evaluated: 2024-02-21. Review status: no assertion criteria provided. Collection method: clinical testing. Allele origin: germline. Not counted in ClinVar's aggregate classification.
Comment: This variant is classified as likely benign based on ACMG/AMP sequence variant interpretation guidelines (Richards et al. 2015 PMID: 25741868, with internal and published modifications).

Literature cited by the submitters: PubMed 28356264 (cited by Ambry Genetics).